The following is an entry in ClinVar:

NM_000152.5(GAA):c.691C>T (p.Leu231=)

Gene: GAA (alpha glucosidase; plus strand). Cytogenetic location: 17q25.3.
Variant type: single nucleotide variant.
Coding change: c.691C>T on transcript NM_000152.5 (MANE Select); coding-DNA position 691, C replaced by T.
Protein change: p.Leu231=; no amino-acid change (leucine 231 retained).
Molecular consequence: synonymous variant.
Genome position (GRCh38, 1-based): chr17:80,105,893, C>T. VCF-style: chr17-80105893-C-T. GRCh37 (hg19) VCF-style: chr17-78079692-C-T.
Other names: c.691C>T, p.Leu231= (NM_001079803.3, NM_001079804.3, NM_001406741.1 and 1 more transcripts).
Identifiers: ClinVar variation 4876569 (VCV004876569.1).

ClinVar aggregate classification (germline): Uncertain significance (1 of 4 stars; one submission).

Conditions:
Glycogen storage disease, type II (IOPD). Also called: Pompe Disease; CARDIOMEGALIA GLYCOGENICA DIFFUSA; GLYCOGENOSIS, GENERALIZED, CARDIAC FORM; GSD II; POMPE DISEASE, INFANTILE-ONSET; GLYCOGEN STORAGE DISEASE II, INFANTILE-ONSET. Identifiers: Orphanet 365, MedGen C0017921, MONDO:0009290, OMIM 232300.

Submission:

Genomenon, Inc
Classification: Uncertain significance for Glycogen storage disease, type II. Last evaluated: 2026-07-01. Review status: criteria provided, single submitter. Criteria: Genomenon Sequence Variant Interpretation Standards - Updated. Collection method: curation. Allele origin: germline. Affected: no.
Comment: GAA c.691C>T is a synonymous variant that retains Leucine at codon 231. This variant has been reported in the published literature (PMID:33560568). It is absent or not present at a significant frequency in gnomAD. In conclusion, we classify GAA c.691C>T (p.Leu231=) as a variant of uncertain significance.

Literature cited by the submitters: PubMed 33560568.